The following is an entry in ClinVar:

NM_000829.4(GRIA4):c.440A>T (p.Asp147Val)

Genes: GRIA4 (glutamate ionotropic receptor AMPA type subunit 4; plus strand), LOC126861324 (CDK7 strongly-dependent group 2 enhancer GRCh37_chr11:105623830-105625029; plus strand). Cytogenetic location: 11q22.3.
Variant type: single nucleotide variant.
Coding change: c.440A>T on transcript NM_000829.4 (MANE Select); coding-DNA position 440, A replaced by T.
Protein change: p.Asp147Val; replaces aspartic acid 147 with valine.
Molecular consequence: missense variant. On other transcripts: non-coding transcript variant (1).
Genome position (GRCh38, 1-based): chr11:105,753,173, A>T. VCF-style: chr11-105753173-A-T. GRCh37 (hg19) VCF-style: chr11-105623899-A-T.
Other names: c.440A>T, p.Asp147Val (NM_001077243.3, NM_001077244.2, NM_001112812.2); short protein forms D147V.
Identifiers: ClinVar variation 3253382 (VCV003253382.1), dbSNP rs2497084288.

ClinVar aggregate classification (germline): Uncertain significance (1 of 4 stars; one submission).

Submission:

GeneDx
Classification: Uncertain significance. Last evaluated: 2023-12-14. Review status: criteria provided, single submitter. Criteria: GeneDx Variant Classification Process June 2021. Collection method: clinical testing. Allele origin: germline. Affected: yes.
Comment: Not observed at significant frequency in large population cohorts (gnomAD); In silico analysis supports that this missense variant has a deleterious effect on protein structure/function; Has not been previously published as pathogenic or benign to our knowledge